The following is an entry in ClinVar:

ClinVar aggregate classification (germline): Uncertain significance (1 of 4 stars; one submission).

Conditions:
Epileptic encephalopathy. Identifiers: MedGen C0543888, HP:0200134.

Submission:

Labcorp Genetics (formerly Invitae), Labcorp
Classification: Uncertain significance for Epileptic encephalopathy. Last evaluated: 2025-09-15. Review status: criteria provided, single submitter. Criteria: Invitae Variant Classification Sherloc (09022015). Collection method: clinical testing. Allele origin: germline.
Comment: This sequence change replaces valine, which is neutral and non-polar, with isoleucine, which is neutral and non-polar, at codon 190 of the FASN protein (p.Val190Ile). Information on the frequency of this variant in the gnomAD database is not available, as this variant may be reported differently in the database. This variant has not been reported in the literature in individuals affected with FASN-related conditions. Experimental studies and prediction algorithms are not available or were not evaluated, and the functional significance of this variant is currently unknown. In summary, the available evidence is currently insufficient to determine the role of this variant in disease. Therefore, it has been classified as a Variant of Uncertain Significance.

NM_004104.5(FASN):c.567_568inv (p.Val190Ile)

Gene: FASN (fatty acid synthase; minus strand). Cytogenetic location: 17q25.3.
Variant type: Inversion.
Coding change: c.567_568inv on transcript NM_004104.5 (MANE Select).
Protein change: p.Val190Ile; replaces valine 190 with isoleucine.
Molecular consequence: missense variant.
Genome position: GRCh38 VCF-style: chr17-82093306-CA-TG. GRCh37 (hg19) VCF-style: chr17-80051182-CA-TG.
Other names: short protein forms V190I.
Identifiers: ClinVar variation 4782053 (VCV004782053.1).
Genomic context (GRCh38, chr17:82,093,306, plus strand): 5'-CCTCGGGGCTGAGCATCCCCAGCCTCAAGAACTGCACGGAGGTGTTGGGCTTCAGCAGGA[CA>TG]TTGATGCCCCCCACGATGGCGGCAGGGCACTGCCCGCTGTGGATGGCCTGGTAGGCGTTC-3'
Protein context (NP_004095.4, residues 180-200): CPAAIVGGIN[Val190Ile]LLKPNTSVQF